The following is an entry in ClinVar:

ClinVar aggregate classification (germline): Uncertain significance. Review status: criteria provided, multiple submitters, no conflicts (2 of 4 stars). 3 submissions from 3 submitters: Uncertain significance (3). Last evaluated 2023-11-30.

Conditions:
Hereditary cancer-predisposing syndrome. Also called: Hereditary Cancer Syndrome; Hereditary neoplastic syndrome; Tumor predisposition; Neoplastic Syndromes, Hereditary. Identifiers: Orphanet 140162, MedGen C0027672, MeSH D009386, MONDO:0015356.
Multiple endocrine neoplasia, type 1 (MEN1). Also called: MEA I; MEN I; WERMER SYNDROME; Endocrine adenomatosis multiple; MEN 1. Identifiers: Orphanet 652, MedGen C0025267, MeSH D018761, MONDO:0007540, OMIM 131100.

Allele frequency attached by ClinVar (database versions not stated): gnomAD exomes below 0.00001.
gnomAD v4.1: 3 of 1,594,918 alleles (0.00019%); highest among the groups gnomAD compares: Non-Finnish European, 0.00026%; no homozygotes.

Submissions (3):

All of Us Research Program, National Institutes of Health
Classification: Uncertain significance for Multiple endocrine neoplasia, type 1. Last evaluated: 2023-11-30. Review status: criteria provided, single submitter. Criteria: ACMG Guidelines, 2015. Collection method: clinical testing. Allele origin: germline. Inheritance: Autosomal dominant inheritance. Observed: 1 variant allele, 1 heterozygote.
Comment: This study involves interpretation of variants in research participants for the purpose of population health screening. Participant phenotype was not available at the time of variant classification. Additional details can be found in publication PMID: 35346344, PMCID: PMC8962531

Ambry Genetics
Classification: Uncertain significance for Hereditary cancer-predisposing syndrome. Last evaluated: 2023-01-25. Review status: criteria provided, single submitter. Criteria: Ambry Variant Classification Scheme 2023. Collection method: clinical testing. Allele origin: germline.
Comment: The p.K496R variant (also known as c.1487A>G), located in coding exon 9 of the MEN1 gene, results from an A to G substitution at nucleotide position 1487. The lysine at codon 496 is replaced by arginine, an amino acid with highly similar properties. This amino acid position is conserved. In addition, the in silico prediction for this alteration is inconclusive. Since supporting evidence is limited at this time, the clinical significance of this alteration remains unclear.

Labcorp Genetics (formerly Invitae), Labcorp
Classification: Uncertain significance for Multiple endocrine neoplasia, type 1. Last evaluated: 2020-12-31. Review status: criteria provided, single submitter. Criteria: Invitae Variant Classification Sherloc (09022015). Collection method: clinical testing. Allele origin: germline.
Comment: Algorithms developed to predict the effect of sequence changes on RNA splicing suggest that this variant may create or strengthen a splice site, but this prediction has not been confirmed by published transcriptional studies. Advanced modeling of protein sequence and biophysical properties (such as structural, functional, and spatial information, amino acid conservation, physicochemical variation, residue mobility, and thermodynamic stability) performed at Invitae indicates that this missense variant is not expected to disrupt MEN1 protein function. This variant has not been reported in the literature in individuals with MEN1-related conditions. This variant is not present in population databases (ExAC no frequency). This sequence change replaces lysine with arginine at codon 496 of the MEN1 protein (p.Lys496Arg). The lysine residue is moderately conserved and there is a small physicochemical difference between lysine and arginine. In summary, the available evidence is currently insufficient to determine the role of this variant in disease. Therefore, it has been classified as a Variant of Uncertain Significance.

NM_001370259.2(MEN1):c.1487A>G (p.Lys496Arg)

Gene: MEN1 (menin 1; minus strand). Cytogenetic location: 11q13.1.
Variant type: single nucleotide variant.
Coding change: c.1487A>G on transcript NM_001370259.2 (MANE Select); coding-DNA position 1487, A replaced by G.
Protein change: p.Lys496Arg; replaces lysine 496 with arginine.
Molecular consequence: missense variant.
Genome position (GRCh38, 1-based): chr11:64,804,680, T>C on the plus strand (A>G on the coding strand, the complement: MEN1 is on the minus strand). VCF-style: chr11-64804680-T-C. GRCh37 (hg19) VCF-style: chr11-64572152-T-C.
Other names: c.1487A>G (NM_130799.2); c.1502A>G, p.Lys501Arg (NM_130802.3, NM_130803.3, NM_130804.3 and 3 more transcripts); c.1487A>G, p.Lys496Arg (NM_001370260.2, NM_001370261.2, NM_130799.3); c.1382A>G, p.Lys461Arg (NM_001370262.2, NM_001370263.2); c.1613A>G, p.Lys538Arg (NM_001370251.2); short protein forms K496R, K538R, K501R, K461R.
Identifiers: ClinVar variation 1361700 (VCV001361700.10), dbSNP rs1270463727, ClinGen allele CA381178971.